The following is an entry in ClinVar:

ClinVar aggregate classification (germline): Uncertain significance (1 of 4 stars; one submission).

Conditions:
ADAMTSL4-related disorder. Also called: ADAMTSL4-Related Disorders; ADAMTSL4-related condition.

Submission:

PreventionGenetics, part of Exact Sciences
Classification: Uncertain significance for ADAMTSL4-related condition. Last evaluated: 2025-09-17. Review status: criteria provided, single submitter. Criteria: ACMG Guidelines, 2015. Collection method: clinical testing. Allele origin: germline.
Comment: The ADAMTSL4 c.1405A>G variant is predicted to result in the amino acid substitution p.Arg469Gly. To our knowledge, this variant has not been reported in the literature or in a large population database (gnomAD), indicating this variant is rare. At this time, the clinical significance of this variant is uncertain due to the absence of conclusive functional and genetic evidence.

NM_019032.6(ADAMTSL4):c.1405A>G (p.Arg469Gly)

Genes: ADAMTSL4 (ADAMTS like 4; plus strand), ADAMTSL4-AS2 (ADAMTSL4 antisense RNA 2; minus strand). Cytogenetic location: 1q21.2.
Variant type: single nucleotide variant.
Coding change: c.1405A>G on transcript NM_019032.6 (MANE Select); coding-DNA position 1405, A replaced by G.
Protein change: p.Arg469Gly; replaces arginine 469 with glycine.
Molecular consequence: missense variant. On other transcripts: non-coding transcript variant (2).
Genome position (GRCh38, 1-based): chr1:150,556,195, A>G. VCF-style: chr1-150556195-A-G. GRCh37 (hg19) VCF-style: chr1-150528671-A-G.
Other names: c.1474A>G, p.Arg492Gly (NM_001288607.2, NM_001288608.2); c.1405A>G, p.Arg469Gly (NM_001378596.1, NM_025008.5); short protein forms R469G, R492G.
Identifiers: ClinVar variation 4984435 (VCV004984435.1).